The following is an entry in ClinVar:

ClinVar aggregate classification (germline): Uncertain significance. Review status: criteria provided, multiple submitters, no conflicts (2 of 4 stars). 2 submissions from 2 submitters: Uncertain significance (2). Last evaluated 2022-08-16.

Allele frequency attached by ClinVar (database versions not stated): gnomAD exomes below 0.00001; TOPMed 0.00001.
gnomAD v4.1: 2 of 1,596,838 alleles (0.00013%); highest among the groups gnomAD compares: Non-Finnish European, 0.00017%; no homozygotes.

Submissions (2):

Ambry Genetics
Classification: Uncertain significance. Last evaluated: 2022-08-16. Review status: criteria provided, single submitter. Criteria: Ambry Variant Classification Scheme 2023. Collection method: clinical testing. Allele origin: germline.

Labcorp Genetics (formerly Invitae), Labcorp
Classification: Uncertain significance. Last evaluated: 2019-07-11. Review status: criteria provided, single submitter. Criteria: Invitae Variant Classification Sherloc (09022015). Collection method: clinical testing. Allele origin: germline.
Comment: This sequence change replaces glutamic acid with lysine at codon 323 of the MAPKAPK3 protein (p.Glu323Lys). The glutamic acid residue is highly conserved and there is a small physicochemical difference between glutamic acid and lysine. This variant is not present in population databases (ExAC no frequency). This variant has not been reported in the literature in individuals with MAPKAPK3-related conditions. Algorithms developed to predict the effect of missense changes on protein structure and function are either unavailable or do not agree on the potential impact of this missense change (SIFT: "Deleterious"; PolyPhen-2: "Benign"; Align-GVGD: "Class C55"). In summary, the available evidence is currently insufficient to determine the role of this variant in disease. Therefore, it has been classified as a Variant of Uncertain Significance.

NM_001243925.2(MAPKAPK3):c.967G>A (p.Glu323Lys)

Gene: MAPKAPK3 (MAPK activated protein kinase 3; plus strand). Cytogenetic location: 3p21.2.
Variant type: single nucleotide variant.
Coding change: c.967G>A on transcript NM_001243925.2 (MANE Select); coding-DNA position 967, G replaced by A.
Protein change: p.Glu323Lys; replaces glutamic acid 323 with lysine.
Molecular consequence: missense variant.
Genome position (GRCh38, 1-based): chr3:50,647,174, G>A. VCF-style: chr3-50647174-G-A. GRCh37 (hg19) VCF-style: chr3-50684605-G-A.
Other names: c.967G>A, p.Glu323Lys (NM_001243926.2, NM_004635.5); c.967G>A (NM_004635.4); short protein forms E323K.
Identifiers: ClinVar variation 947269 (VCV000947269.7), dbSNP rs2033320923, ClinGen allele CA352937327.